The following is an entry in ClinVar:

ClinVar aggregate classification (germline): Pathogenic (1 of 4 stars; one submission).

Conditions:
Ehlers-Danlos syndrome, dermatosparaxis type. Also called: EDS VIIC; Dermatosparaxis; Ehlers-Danlos syndrome, type VII, autosomal recessive. Identifiers: Orphanet 1901, MedGen C2700425, MONDO:0009161, OMIM 225410.

Submission:

Myriad Genetics, Inc.
Classification: Pathogenic for Ehlers-Danlos syndrome, dermatosparaxis type. Last evaluated: 2024-05-14. Review status: criteria provided, single submitter. Criteria: Myriad Autosomal Dominant, Autosomal Recessive and X-Linked Classification Criteria (2023). Collection method: clinical testing. Allele origin: unknown.
Comment: NM_014244.4(ADAMTS2):c.81_82insG(L28Afs*38) is expected to be pathogenic in the context of Ehlers-Danlos syndrome, ADAMTS2-related. This variant is predicted to lead to an abnormal or absent protein product due to the creation of a premature termination codon in ADAMTS2, a gene where loss-of-function variants are known to be pathogenic. Please note: this variant was assessed in the context of healthy population screening.

NM_014244.5(ADAMTS2):c.81_82insG (p.Leu28fs)

Gene: ADAMTS2 (ADAM metallopeptidase with thrombospondin type 1 motif 2; minus strand). Cytogenetic location: 5q35.3.
Variant type: Insertion.
Coding change: c.81_82insG on transcript NM_014244.5 (MANE Select); coding-DNA positions 81 to 82, G inserted.
Protein change: p.Leu28fs; shifts the reading frame from leucine 28.
Molecular consequence: frameshift variant.
Genome position: GRCh38 VCF-style: chr5-179345247-G-GC. GRCh37 (hg19) VCF-style: chr5-178772248-G-GC.
Other names: c.81_82insG, p.Leu28fs (NM_021599.4); short protein forms L28fs.
Identifiers: ClinVar variation 5010625 (VCV005010625.1).